The following is an entry in ClinVar:

ClinVar aggregate classification (germline): Uncertain significance. Review status: criteria provided, multiple submitters, no conflicts (2 of 4 stars). 2 submissions from 2 submitters: Uncertain significance (2). Last evaluated 2025-03-09.

Conditions:
Inborn genetic diseases. Identifiers: MedGen C0950123, MeSH D030342.

Allele frequency attached by ClinVar (database versions not stated): gnomAD 0.00001; gnomAD exomes 0.00001; ExAC 0.00002.
gnomAD v4.1: 10 of 1,605,352 alleles (0.00062%); highest among the groups gnomAD compares: African/African-American, 0.0027%; no homozygotes.

Submissions (2):

Labcorp Genetics (formerly Invitae), Labcorp
Classification: Uncertain significance. Last evaluated: 2025-03-09. Review status: criteria provided, single submitter. Criteria: Invitae Variant Classification Sherloc (09022015). Collection method: clinical testing. Allele origin: germline.
Comment: This sequence change replaces isoleucine, which is neutral and non-polar, with valine, which is neutral and non-polar, at codon 150 of the LAMB1 protein (p.Ile150Val). This variant is present in population databases (rs746464634, gnomAD 0.01%). This variant has not been reported in the literature in individuals affected with LAMB1-related conditions. ClinVar contains an entry for this variant (Variation ID: 2214177). An algorithm developed to predict the effect of missense changes on protein structure and function (PolyPhen-2) suggests that this variant is likely to be disruptive. In summary, the available evidence is currently insufficient to determine the role of this variant in disease. Therefore, it has been classified as a Variant of Uncertain Significance.

Ambry Genetics
Classification: Uncertain significance for Inborn genetic diseases. Last evaluated: 2022-01-26. Review status: criteria provided, single submitter. Criteria: Ambry Variant Classification Scheme 2023. Collection method: clinical testing. Allele origin: germline.

NM_002291.3(LAMB1):c.448A>G (p.Ile150Val)

Gene: LAMB1 (laminin subunit beta 1; minus strand). Cytogenetic location: 7q31.1.
Variant type: single nucleotide variant.
Coding change: c.448A>G on transcript NM_002291.3 (MANE Select); coding-DNA position 448, A replaced by G.
Protein change: p.Ile150Val; replaces isoleucine 150 with valine.
Molecular consequence: missense variant.
Genome position (GRCh38, 1-based): chr7:107,986,339, T>C on the plus strand (A>G on the coding strand, the complement: LAMB1 is on the minus strand). VCF-style: chr7-107986339-T-C. GRCh37 (hg19) VCF-style: chr7-107626784-T-C.
Other names: short protein forms I150V.
Identifiers: ClinVar variation 2214177 (VCV002214177.3), dbSNP rs746464634, ClinGen allele CA4436287.
Genomic context (GRCh38, chr7:107,986,339, plus strand): 5'-AGTCATAGGCGAAGTATCTATACACACCCCAGGTTTTCCCAAAGTCGGACGATCGTTCTA[T>C]CAGCATAGCAGCTGGACGGAATGTCTAAAGGCAGGAGCAAAAATCTCATTTGATGTTTTT-3'
Protein context (NP_002282.2, residues 140-160): FKTFRPAAML[Ile150Val]ERSSDFGKTW